The following is an entry in ClinVar:

NM_001558.4(IL10RA):c.*354T>C

Gene: IL10RA (interleukin 10 receptor subunit alpha; plus strand). Cytogenetic location: 11q23.3.
Variant type: single nucleotide variant.
Coding change: c.*354T>C on transcript NM_001558.4 (MANE Select); 354 bases downstream of the stop codon, T replaced by C.
Molecular consequence: 3 prime UTR variant. On other transcripts: non-coding transcript variant (1).
Genome position (GRCh38, 1-based): chr11:117,999,995, T>C. VCF-style: chr11-117999995-T-C. GRCh37 (hg19) VCF-style: chr11-117870710-T-C.
Identifiers: ClinVar variation 302562 (VCV000302562.6), dbSNP rs4252292, ClinGen allele CA6299274.

ClinVar aggregate classification (germline): Benign. Review status: criteria provided, multiple submitters, no conflicts (2 of 4 stars). 2 submissions from 2 submitters: Benign (2). Last evaluated 2018-01-13.

Conditions:
Inflammatory bowel disease 28. Also called: Inflammatory bowel disease 28, early onset, autosomal recessive. Identifiers: Orphanet 238569, MedGen C2751053, MONDO:0013153, OMIM 613148.

Allele frequency attached by ClinVar (database versions not stated): ExAC 0.00101; gnomAD exomes 0.00157 and 0.00266; gnomAD 0.01281 and 0.01359; TOPMed 0.01385.
gnomAD v4.1: 2,456 of 479,980 alleles (0.51%); highest among the groups gnomAD compares: African/African-American, 4.4%; 52 homozygotes.

Submissions (2):

Illumina Laboratory Services, Illumina
Classification: Benign for Inflammatory bowel disease 28. Last evaluated: 2018-01-13. Review status: criteria provided, single submitter. Criteria: ICSL Variant Classification Criteria 13 December 2019. Collection method: clinical testing. Allele origin: germline.
Comment: This variant was observed in the ICSL laboratory as part of a predisposition screen in an ostensibly healthy population. It had not been previously curated by ICSL or reported in the Human Gene Mutation Database (HGMD: prior to June 1st, 2018), and was therefore a candidate for classification through an automated scoring system. Utilizing variant allele frequency, disease prevalence and penetrance estimates, and inheritance mode, an automated score was calculated to assess if this variant is too frequent to cause the disease. Based on the score and internal cut-off values, a variant classified as benign is not then subjected to further curation. The score for this variant resulted in a classification of benign for this disease.

Breakthrough Genomics
Classification: Benign. Review status: criteria provided, single submitter. Criteria: ACMG Guidelines, 2015. Collection method: not provided. Allele origin: germline. Inheritance: Autosomal recessive inheritance. Affected: yes.